The following is an entry in ClinVar:

NM_002474.3(MYH11):c.142G>T (p.Ala48Ser)

Gene: MYH11 (myosin heavy chain 11; minus strand). Cytogenetic location: 16p13.11.
Variant type: single nucleotide variant.
Coding change: c.142G>T on transcript NM_002474.3 (MANE Select); coding-DNA position 142, G replaced by T.
Protein change: p.Ala48Ser; replaces alanine 48 with serine.
Molecular consequence: missense variant.
Genome position (GRCh38, 1-based): chr16:15,838,111, C>A on the plus strand (G>T on the coding strand, the complement: MYH11 is on the minus strand). VCF-style: chr16-15838111-C-A. GRCh37 (hg19) VCF-style: chr16-15931968-C-A.
Other names: c.142G>T, p.Ala48Ser (NM_001040113.2, NM_001040114.2, NM_022844.3); short protein forms A48S.
Identifiers: ClinVar variation 1170972 (VCV001170972.3), dbSNP rs2151381454, ClinGen allele CA395198588.

ClinVar aggregate classification (germline): Uncertain significance (1 of 4 stars; one submission).

Conditions:
Familial thoracic aortic aneurysm and aortic dissection (TAAD). Also called: Thoracic aortic aneurysms and dissections. Identifiers: Orphanet 91387, MedGen C4707243, MONDO:0019625.

Submission:

Color Diagnostics, LLC DBA Color Health
Classification: Uncertain significance for Familial thoracic aortic aneurysm and aortic dissection. Last evaluated: 2024-03-07. Review status: criteria provided, single submitter. Criteria: ACMG Guidelines, 2015. Collection method: clinical testing. Allele origin: germline.
Comment: This missense variant replaces alanine with serine at codon 48 of the MYH11 protein. Computational prediction is inconclusive regarding the impact of this variant on protein structure and function (internally defined REVEL score threshold 0.5 < inconclusive < 0.7, PMID: 27666373). To our knowledge, functional studies have not been reported for this variant. This variant has not been reported in individuals affected with cardiovascular disorders in the literature. This variant has not been identified in the general population by the Genome Aggregation Database (gnomAD). The available evidence is insufficient to determine the role of this variant in disease conclusively. Therefore, this variant is classified as a Variant of Uncertain Significance.